The following is an entry in ClinVar:

ClinVar aggregate classification (germline): Uncertain significance (1 of 4 stars; one submission).

Conditions:
Developmental and epileptic encephalopathy, 1 (DEE1). Also called: X-linked infantile spasms; West's syndrome; Tonic spasms with clustering, arrest of psychomotor development and hypsarrhythmia on EEG; X-Linked Infantile Spasm Syndrome; OHTAHARA SYNDROME, X-LINKED; Epileptic encephalopathy, early infantile, 1. Identifiers: MedGen C3463992, MONDO:0010632, OMIM 308350. Disease mechanism: loss of function.
Intellectual disability, X-linked, with or without seizures, ARX-related. Also called: Mental retardation, X-linked 52; INTELLECTUAL DEVELOPMENTAL DISORDER, X-LINKED 29; MENTAL RETARDATION, X-LINKED 29; MENTAL RETARDATION, X-LINKED 32; MENTAL RETARDATION, X-LINKED 33; MENTAL RETARDATION, X-LINKED 38. Identifiers: Orphanet 777, MedGen C0796244, MONDO:0010317, OMIM 300419.

Allele frequency attached by ClinVar (database versions not stated): gnomAD 0.00001; TOPMed 0.00002.
gnomAD v4.1: 1 of 1,150,173 alleles (0.000087%); highest among the groups gnomAD compares: Non-Finnish European, 0.00011%; no homozygotes.

Submission:

Labcorp Genetics (formerly Invitae), Labcorp
Classification: Uncertain significance for Developmental and epileptic encephalopathy, 1; Intellectual disability, X-linked, with or without seizures, ARX-related. Last evaluated: 2025-02-15. Review status: criteria provided, single submitter. Criteria: Invitae Variant Classification Sherloc (09022015). Collection method: clinical testing. Allele origin: germline.
Comment: This sequence change replaces threonine, which is neutral and polar, with isoleucine, which is neutral and non-polar, at codon 221 of the ARX protein (p.Thr221Ile). This variant is not present in population databases (gnomAD no frequency). This variant has not been reported in the literature in individuals affected with ARX-related conditions. ClinVar contains an entry for this variant (Variation ID: 838361). Invitae Evidence Modeling of protein sequence and biophysical properties (such as structural, functional, and spatial information, amino acid conservation, physicochemical variation, residue mobility, and thermodynamic stability) indicates that this missense variant is not expected to disrupt ARX protein function with a negative predictive value of 80%. In summary, the available evidence is currently insufficient to determine the role of this variant in disease. Therefore, it has been classified as a Variant of Uncertain Significance.

NM_139058.3(ARX):c.662C>T (p.Thr221Ile)

Gene: ARX (aristaless related homeobox; minus strand). Cytogenetic location: Xp21.3.
Variant type: single nucleotide variant.
Coding change: c.662C>T on transcript NM_139058.3 (MANE Select); coding-DNA position 662, C replaced by T.
Protein change: p.Thr221Ile; replaces threonine 221 with isoleucine.
Molecular consequence: missense variant.
Genome position (GRCh38, 1-based): chrX:25,013,333, G>A on the plus strand (C>T on the coding strand, the complement: ARX is on the minus strand). VCF-style: chrX-25013333-G-A. GRCh37 (hg19) VCF-style: chrX-25031450-G-A.
Other names: short protein forms T221I.
Identifiers: ClinVar variation 838361 (VCV000838361.6), dbSNP rs1017790646, ClinGen allele CA327733050.